The following is an entry in ClinVar:

NM_006096.4(NDRG1):c.218A>G (p.Tyr73Cys)

Gene: NDRG1 (N-myc downstream regulated 1; minus strand). Cytogenetic location: 8q24.22.
Variant type: single nucleotide variant.
Coding change: c.218A>G on transcript NM_006096.4 (MANE Select); coding-DNA position 218, A replaced by G.
Protein change: p.Tyr73Cys; replaces tyrosine 73 with cysteine.
Molecular consequence: missense variant. On other transcripts: 5 prime UTR variant (1).
Genome position (GRCh38, 1-based): chr8:133,262,155, T>C on the plus strand (A>G on the coding strand, the complement: NDRG1 is on the minus strand). VCF-style: chr8-133262155-T-C. GRCh37 (hg19) VCF-style: chr8-134274398-T-C.
Other names: c.218A>G, p.Tyr73Cys (NM_001135242.2, NM_001374844.1, NM_001374845.1 and 1 more transcripts); c.20A>G, p.Tyr7Cys (NM_001258432.2, NM_001374847.1); c.-26A>G (NM_001258433.2); short protein forms Y73C, Y7C.
Identifiers: ClinVar variation 2099899 (VCV002099899.1), dbSNP rs2538069790, ClinGen allele CA372256381.

ClinVar aggregate classification (germline): Uncertain significance (1 of 4 stars; one submission).

Conditions:
Charcot-Marie-Tooth disease type 4. Also called: Charcot-Marie-Tooth, Type 4; Charcot-Marie-Tooth disease, type IV. Identifiers: Orphanet 64749, MedGen C4082197, MONDO:0018995.

Submission:

Labcorp Genetics (formerly Invitae), Labcorp
Classification: Uncertain significance for Charcot-Marie-Tooth disease type 4. Last evaluated: 2022-07-12. Review status: criteria provided, single submitter. Criteria: Invitae Variant Classification Sherloc (09022015). Collection method: clinical testing. Allele origin: germline.
Comment: This sequence change replaces tyrosine, which is neutral and polar, with cysteine, which is neutral and slightly polar, at codon 73 of the NDRG1 protein (p.Tyr73Cys). This variant is not present in population databases (gnomAD no frequency). This variant has not been reported in the literature in individuals affected with NDRG1-related conditions. Algorithms developed to predict the effect of missense changes on protein structure and function are either unavailable or do not agree on the potential impact of this missense change (SIFT: "Deleterious"; PolyPhen-2: "Probably Damaging"; Align-GVGD: "Class C0"). In summary, the available evidence is currently insufficient to determine the role of this variant in disease. Therefore, it has been classified as a Variant of Uncertain Significance.